The following is an entry in ClinVar:

NM_000492.4(CFTR):c.743G>A (p.Arg248Lys)

Gene: CFTR (CF transmembrane conductance regulator; plus strand). Cytogenetic location: 7q31.2.
Variant type: single nucleotide variant.
Coding change: c.743G>A on transcript NM_000492.4 (MANE Select); coding-DNA position 743, G replaced by A.
Protein change: p.Arg248Lys; replaces arginine 248 with lysine.
Molecular consequence: missense variant.
Genome position (GRCh38, 1-based): chr7:117,535,411, G>A. VCF-style: chr7-117535411-G-A. GRCh37 (hg19) VCF-style: chr7-117175465-G-A.
Other names: short protein forms R248K.
Identifiers: ClinVar variation 3491594 (VCV003491594.2).

ClinVar aggregate classification (germline): Uncertain significance. Review status: criteria provided, multiple submitters, no conflicts (2 of 4 stars). 2 submissions from 2 submitters: Uncertain significance (2). Last evaluated 2025-05-19.

Conditions:
Cystic fibrosis (CF). Also called: MUCOVISCIDOSIS. Identifiers: Orphanet 586, MedGen C0010674, MONDO:0009061, OMIM 219700. Disease mechanism: loss of function.

gnomAD v4.1: 5 of 1,613,836 alleles (0.00031%); highest among the groups gnomAD compares: Middle Eastern, 0.017%; no homozygotes.

Submissions (2):

Labcorp Genetics (formerly Invitae), Labcorp
Classification: Uncertain significance for Cystic fibrosis. Last evaluated: 2025-05-19. Review status: criteria provided, single submitter. Criteria: Invitae Variant Classification Sherloc (09022015). Collection method: clinical testing. Allele origin: germline.
Comment: This sequence change affects codon 248 of the CFTR mRNA. It is a 'silent' change, meaning that it does not change the encoded amino acid sequence of the CFTR protein. This variant also falls at the last nucleotide of exon 6, which is part of the consensus splice site for this exon. This variant is present in population databases (rs397508792, gnomAD 0.0009%). This variant has not been reported in the literature in individuals affected with CFTR-related conditions. ClinVar contains an entry for this variant (Variation ID: 3491594). An algorithm developed to predict the effect of missense changes on protein structure and function (PolyPhen-2) suggests that this variant is likely to be tolerated. Variants that disrupt the consensus splice site are a relatively common cause of aberrant splicing (PMID: 17576681, 9536098). Algorithms developed to predict the effect of sequence changes on RNA splicing suggest that this variant may disrupt the consensus splice site. In summary, the available evidence is currently insufficient to determine the role of this variant in disease. Therefore, it has been classified as a Variant of Uncertain Significance.

Ambry Genetics
Classification: Uncertain significance for Cystic fibrosis. Last evaluated: 2024-09-16. Review status: criteria provided, single submitter. Criteria: Ambry Variant Classification Scheme 2023. Collection method: clinical testing. Allele origin: germline.
Comment: The p.R248K variant (also known as c.743G>A), located in coding exon 6 of the CFTR gene, results from a G to A substitution at nucleotide position 743. The arginine at codon 248 is replaced by lysine, an amino acid with highly similar properties. However, this change occurs in the last base pair of coding exon 6, which makes it likely to have some effect on normal mRNA splicing. This nucleotide position is highly conserved in available vertebrate species. This amino acid position is highly conserved in available vertebrate species. In silico splice site analysis predicts that this alteration will weaken the native splice donor site. In addition, as a missense substitution this is predicted to be inconclusive by in silico analysis. Based on the available evidence, the clinical significance of this variant remains unclear.

Literature cited by the submitters: PubMed 17576681 (cited by Labcorp Genetics (formerly Invitae), Labcorp); PubMed 9536098 (cited by Labcorp Genetics (formerly Invitae), Labcorp).